The following is an entry in ClinVar:

ClinVar aggregate classification (germline): Uncertain significance (1 of 4 stars; one submission).

Submission:

Labcorp Genetics (formerly Invitae), Labcorp
Classification: Uncertain significance. Last evaluated: 2022-01-15. Review status: criteria provided, single submitter. Criteria: Invitae Variant Classification Sherloc (09022015). Collection method: clinical testing. Allele origin: germline.
Comment: In summary, the available evidence is currently insufficient to determine the role of this variant in disease. Therefore, it has been classified as a Variant of Uncertain Significance. Algorithms developed to predict the effect of missense changes on protein structure and function are either unavailable or do not agree on the potential impact of this missense change (SIFT: "Deleterious"; PolyPhen-2: "Not Available"; Align-GVGD: "Class C0"). This variant has not been reported in the literature in individuals affected with ERCC6L2-related conditions. This variant is not present in population databases (gnomAD no frequency). This sequence change replaces alanine, which is neutral and non-polar, with serine, which is neutral and polar, at codon 606 of the ERCC6L2 protein (p.Ala606Ser).

NM_020207.7(ERCC6L2):c.1783G>T (p.Ala595Ser)

Gene: ERCC6L2 (ERCC excision repair 6 like 2; plus strand). Cytogenetic location: 9q22.32.
Variant type: single nucleotide variant.
Coding change: c.1783G>T on transcript NM_020207.7 (MANE Select); coding-DNA position 1783, G replaced by T.
Protein change: p.Ala595Ser; replaces alanine 595 with serine.
Molecular consequence: missense variant. On other transcripts: non-coding transcript variant (1).
Genome position (GRCh38, 1-based): chr9:95,941,485, G>T. VCF-style: chr9-95941485-G-T. GRCh37 (hg19) VCF-style: chr9-98703767-G-T.
Other names: c.1783G>T, p.Ala595Ser (NM_001010895.4, NM_001375291.1, NM_001375292.1 and 2 more transcripts); short protein forms A595S.
Identifiers: ClinVar variation 1473330 (VCV001473330.8), dbSNP rs2132877794, ClinGen allele CA374119049.
Genomic context (GRCh38, chr9:95,941,485, plus strand): 5'-TGTGCTTTTTTTTTTTCTCTTTCCTCCAGGGCTGGTGGACTAGGCCTCAATTTTGTCGGT[G>T]CCAATGTTGTTGTATTATTTGATCCTACTTGGAATCCAGCCAATGATCTTCAAGCCATTG-3'
Protein context (NP_064592.3, residues 585-605): AGGLGLNFVG[Ala595Ser]NVVVLFDPTW